The following is an entry in ClinVar:

ClinVar aggregate classification (germline): Uncertain significance (1 of 4 stars; one submission).

Conditions:
LAMA2-related muscular dystrophy (LAMA2-RD). Also called: Laminin alpha 2-related dystrophy. Identifiers: MedGen C5679788, MONDO:0100228.

Submission:

Labcorp Genetics (formerly Invitae), Labcorp
Classification: Uncertain significance for LAMA2-related muscular dystrophy. Last evaluated: 2024-01-08. Review status: criteria provided, single submitter. Criteria: Invitae Variant Classification Sherloc (09022015). Collection method: clinical testing. Allele origin: germline.
Comment: This sequence change replaces glutamic acid, which is acidic and polar, with glycine, which is neutral and non-polar, at codon 640 of the LAMA2 protein (p.Glu640Gly). This variant is not present in population databases (gnomAD no frequency). This variant has not been reported in the literature in individuals affected with LAMA2-related conditions. ClinVar contains an entry for this variant (Variation ID: 2085444). Advanced modeling of protein sequence and biophysical properties (such as structural, functional, and spatial information, amino acid conservation, physicochemical variation, residue mobility, and thermodynamic stability) performed at Invitae indicates that this missense variant is not expected to disrupt LAMA2 protein function with a negative predictive value of 95%. In summary, the available evidence is currently insufficient to determine the role of this variant in disease. Therefore, it has been classified as a Variant of Uncertain Significance.

NM_000426.4(LAMA2):c.1919A>G (p.Glu640Gly)

Gene: LAMA2 (laminin subunit alpha 2; plus strand). Cytogenetic location: 6q22.33.
Variant type: single nucleotide variant.
Coding change: c.1919A>G on transcript NM_000426.4 (MANE Select); coding-DNA position 1919, A replaced by G.
Protein change: p.Glu640Gly; replaces glutamic acid 640 with glycine.
Molecular consequence: missense variant.
Genome position (GRCh38, 1-based): chr6:129,252,118, A>G. VCF-style: chr6-129252118-A-G. GRCh37 (hg19) VCF-style: chr6-129573263-A-G.
Other names: c.1919A>G, p.Glu640Gly (NM_001079823.2); short protein forms E640G.
Identifiers: ClinVar variation 2085444 (VCV002085444.4), dbSNP rs2482129585, ClinGen allele CA365610212.